The following is an entry in ClinVar:

NM_006393.3(NEBL):c.139G>A (p.Glu47Lys)

Gene: NEBL (nebulette; minus strand). Cytogenetic location: 10p12.31.
Variant type: single nucleotide variant.
Coding change: c.139G>A on transcript NM_006393.3 (MANE Select); coding-DNA position 139, G replaced by A.
Protein change: p.Glu47Lys; replaces glutamic acid 47 with lysine.
Molecular consequence: missense variant. On other transcripts: intron variant (9).
Genome position (GRCh38, 1-based): chr10:20,896,972, C>T on the plus strand (G>A on the coding strand, the complement: NEBL is on the minus strand). VCF-style: chr10-20896972-C-T. GRCh37 (hg19) VCF-style: chr10-21185901-C-T.
Other names: c.249+64700G>A (NM_001377326.1, NM_001377327.1, NM_001377328.1); c.357+64700G>A (NM_213569.2, NM_001173484.2, NM_001377322.1); c.300+64700G>A (NM_001377324.1); c.291+64700G>A (NM_001377325.1); c.309+64700G>A (NM_001377323.1); short protein forms E47K.
Identifiers: ClinVar variation 3702720 (VCV003702720.2).

ClinVar aggregate classification (germline): Uncertain significance (1 of 4 stars; one submission).

Conditions:
Primary dilated cardiomyopathy (DCM). Also called: Dilated Cardiomyopathy. Identifiers: Orphanet 217604, MedGen C0007193, MeSH D002311, MONDO:0005021, HP:0001644. Inheritance: Various modes of inheritance.

gnomAD v4.1: 3 of 1,613,934 alleles (0.00019%); highest among the groups gnomAD compares: Non-Finnish European, 0.00025%; no homozygotes.

Submission:

Labcorp Genetics (formerly Invitae), Labcorp
Classification: Uncertain significance for Primary dilated cardiomyopathy. Last evaluated: 2024-06-25. Review status: criteria provided, single submitter. Criteria: Invitae Variant Classification Sherloc (09022015). Collection method: clinical testing. Allele origin: germline.
Comment: This sequence change replaces glutamic acid, which is acidic and polar, with lysine, which is basic and polar, at codon 47 of the NEBL protein (p.Glu47Lys). This variant is present in population databases (rs765610685, gnomAD 0.007%). This variant has not been reported in the literature in individuals affected with NEBL-related conditions. Algorithms developed to predict the effect of missense changes on protein structure and function output the following: SIFT: "Not Available"; PolyPhen-2: "Benign"; Align-GVGD: "Not Available". The lysine amino acid residue is found in multiple mammalian species, which suggests that this missense change does not adversely affect protein function. In summary, the available evidence is currently insufficient to determine the role of this variant in disease. Therefore, it has been classified as a Variant of Uncertain Significance.